The following is an entry in ClinVar:

NM_030962.4(SBF2):c.3278C>T (p.Pro1093Leu)

Genes: SBF2 (SET binding factor 2; minus strand), LOC101928008 (uncharacterized LOC101928008; plus strand). Cytogenetic location: 11p15.4.
Variant type: single nucleotide variant.
Coding change: c.3278C>T on transcript NM_030962.4 (MANE Select); coding-DNA position 3278, C replaced by T.
Protein change: p.Pro1093Leu; replaces proline 1093 with leucine.
Molecular consequence: missense variant.
Genome position (GRCh38, 1-based): chr11:9,839,675, G>A on the plus strand (C>T on the coding strand, the complement: SBF2 is on the minus strand). VCF-style: chr11-9839675-G-A. GRCh37 (hg19) VCF-style: chr11-9861222-G-A.
Other names: c.3278C>T, p.Pro1093Leu (NM_001386339.1); c.3149C>T, p.Pro1050Leu (NM_001386342.1); short protein forms P1093L, P1050L.
Identifiers: ClinVar variation 805311 (VCV000805311.8), dbSNP rs762973514, ClinGen allele CA5881318.
Genomic context (GRCh38, chr11:9,839,675, plus strand): 5'-GCTTTTTCCACCAACTGTTCCATTGTAGACTTCTCGGAGGCCTTCAGGGTGGTACTTGTG[G>A]GGAGCTCACTCTCATCTGAAACTGTGATGGTAGAGACAGATATCGAAGAAATGATTAGCT-3'
Protein context (NP_112224.1, residues 1083-1103): DVSVSDESEL[Pro1093Leu]TSTTLKASEK

ClinVar aggregate classification (germline): Uncertain significance. Review status: criteria provided, multiple submitters, no conflicts (2 of 4 stars). 2 submissions from 2 submitters: Uncertain significance (2). Last evaluated 2024-02-23.

Conditions:
Charcot-Marie-Tooth disease type 4. Also called: Charcot-Marie-Tooth, Type 4; Charcot-Marie-Tooth disease, type IV. Identifiers: Orphanet 64749, MedGen C4082197, MONDO:0018995.

Allele frequency attached by ClinVar (database versions not stated): gnomAD exomes 0.00001; ExAC 0.00001.
gnomAD v4.1: 4 of 1,613,226 alleles (0.00025%); highest among the groups gnomAD compares: African/African-American, 0.0013%; no homozygotes.

Submissions (2):

Labcorp Genetics (formerly Invitae), Labcorp
Classification: Uncertain significance for Charcot-Marie-Tooth disease type 4. Last evaluated: 2024-02-23. Review status: criteria provided, single submitter. Criteria: Invitae Variant Classification Sherloc (09022015). Collection method: clinical testing. Allele origin: germline.
Comment: This sequence change replaces proline, which is neutral and non-polar, with leucine, which is neutral and non-polar, at codon 1093 of the SBF2 protein (p.Pro1093Leu). This variant is present in population databases (rs762973514, gnomAD 0.007%). This variant has not been reported in the literature in individuals affected with SBF2-related conditions. ClinVar contains an entry for this variant (Variation ID: 805311). Advanced modeling of protein sequence and biophysical properties (such as structural, functional, and spatial information, amino acid conservation, physicochemical variation, residue mobility, and thermodynamic stability) performed at Invitae indicates that this missense variant is not expected to disrupt SBF2 protein function with a negative predictive value of 80%. In summary, the available evidence is currently insufficient to determine the role of this variant in disease. Therefore, it has been classified as a Variant of Uncertain Significance.

Athena Diagnostics
Classification: Uncertain significance. Last evaluated: 2019-06-14. Review status: criteria provided, single submitter. Criteria: Athena Diagnostics Criteria. Collection method: clinical testing. Allele origin: germline.